The following is an entry in ClinVar:

ClinVar aggregate classification (germline): Uncertain significance. Review status: criteria provided, multiple submitters, no conflicts (2 of 4 stars). 2 submissions from 2 submitters: Uncertain significance (2). Last evaluated 2025-07-10.

Conditions:
Neurodevelopmental disorder with central and peripheral motor dysfunction. Identifiers: MedGen C5193049, MONDO:0032698, OMIM 618356.

Allele frequency attached by ClinVar (database versions not stated): gnomAD exomes below 0.00001 and 0.00001; TOPMed 0.00002.
gnomAD v4.1: 4 of 1,613,830 alleles (0.00025%); highest among the groups gnomAD compares: Admixed American, 0.0017%; no homozygotes.

Submissions (2):

GeneDx
Classification: Uncertain significance. Last evaluated: 2025-07-10. Review status: criteria provided, single submitter. Criteria: GeneDx Variant Classification Process June 2021. Collection method: clinical testing. Allele origin: germline. Affected: yes.
Comment: Not observed at significant frequency in large population cohorts (gnomAD); Intronic +5 splice site variant in a gene for which loss of function is a known mechanism of disease, and both splice predictors and evolutionary conservation support a deleterious effect, although in the absence of functional evidence the actual effect of this sequence change is unknown.; Has not been previously published as pathogenic or benign to our knowledge

Baylor Genetics
Classification: Uncertain significance for Neurodevelopmental disorder with central and peripheral motor dysfunction. Last evaluated: 2020-06-10. Review status: criteria provided, single submitter. Criteria: ACMG Guidelines, 2015. Collection method: clinical testing. Allele origin: unknown. Affected: yes.
Comment: This variant was determined to be of uncertain significance according to ACMG Guidelines, 2015 [PMID:25741868].

NM_001005388.3(NFASC):c.2593+5G>A

Gene: NFASC (neurofascin; plus strand). Cytogenetic location: 1q32.1.
Variant type: single nucleotide variant.
Coding change: c.2593+5G>A on transcript NM_001005388.3 (MANE Select); 5 bases into the intron after coding-DNA position 2593, G replaced by A.
Molecular consequence: intron variant.
Genome position (GRCh38, 1-based): chr1:204,987,545, G>A. VCF-style: chr1-204987545-G-A. GRCh37 (hg19) VCF-style: chr1-204956673-G-A.
Other names: c.2914+5G>A (NM_001378329.1); c.2902+5G>A (NM_001160332.2, NM_015090.4); c.2581+5G>A (NM_001365986.1); c.2947+5G>A (NM_001160331.2).
Identifiers: ClinVar variation 1030403 (VCV001030403.2), dbSNP rs907639569, ClinGen allele CA36410175.
Genomic context (GRCh38, chr1:204,987,545, plus strand): 5'-TCATCCTGAGCATCCAAATGGGATCATGATTGGATACACTCTCAAATATGTGGCCTGTAC[G>A]TTCTGCCCTTCCCTTTCTCTTAGATAATCTGGGAACCAGAAACCCCATTCTCACCACTTT-3'